The following is an entry in ClinVar:

ClinVar aggregate classification (germline): Pathogenic/Likely pathogenic. Review status: criteria provided, multiple submitters, no conflicts (2 of 4 stars). 6 submissions from 6 submitters: Pathogenic (4); Likely pathogenic (1). 1 of the submissions does not count toward it. Last evaluated 2026-06-23.

Conditions:
FAM161A-related disorder. Also called: FAM161A-related condition.
Retinal dystrophy. Also called: Inherited retinal dystrophy. Identifiers: Orphanet 71862, MedGen C0854723, MeSH D058499, MONDO:0019118, HP:0000556.
Retinitis pigmentosa (RP). Identifiers: Orphanet 791, MedGen C0035334, MeSH D012174, MONDO:0019200, OMIM 268000. Inheritance: Autosomal dominant, autosomal recessive and X linked inheritance.
Retinitis pigmentosa 28 (RP28). Identifiers: Orphanet 791, MedGen C1419614, MONDO:0011630, OMIM 606068.

gnomAD v4.1: 4 of 1,614,058 alleles (0.00025%); highest among the groups gnomAD compares: East Asian, 0.0067%; no homozygotes.

Submissions (6):

Women's Health and Genetics/Laboratory Corporation of America, LabCorp
Classification: Pathogenic for Retinitis pigmentosa. Last evaluated: 2026-06-23. Review status: criteria provided, single submitter. Criteria: LabCorp Variant Classification Summary - May 2015. Collection method: clinical testing. Allele origin: germline.
Comment: Variant summary: FAM161A c.1464G>A (p.Trp488X) results in a premature termination codon, predicted to cause a truncation of the encoded protein or absence of the protein due to nonsense mediated decay, which are commonly known mechanisms for disease. Loss-of-function variants in this gene are known to be pathogenic. The variant allele was found at a frequency of 1.2e-05 in 249538 control chromosomes. c.1464G>A has been observed in at least two homozygous individuals affected with Retinitis Pigmentosa (Liu_2020, Sahin_2024). These data indicate that the variant is very likely to be associated with disease. To our knowledge, no experimental evidence demonstrating an impact on protein function has been reported. The following publications have been ascertained in the context of this evaluation (PMID: 33090715, 38465142). ClinVar contains an entry for this variant (Variation ID: 236499). Based on the evidence outlined above, the variant was classified as pathogenic.

Labcorp Genetics (formerly Invitae), Labcorp
Classification: Pathogenic. Last evaluated: 2025-06-23. Review status: criteria provided, single submitter. Criteria: Invitae Variant Classification Sherloc (09022015). Collection method: clinical testing. Allele origin: germline.
Comment: This sequence change creates a premature translational stop signal (p.Trp488*) in the FAM161A gene. It is expected to result in an absent or disrupted protein product. Loss-of-function variants in FAM161A are known to be pathogenic (PMID: 20705278, 20705279, 24651477). This variant is present in population databases (no rsID available, gnomAD 0.02%). This premature translational stop signal has been observed in individual(s) with rod-cone dystrophy and retinitis pigmentosa (PMID: 27208204). ClinVar contains an entry for this variant (Variation ID: 236499). For these reasons, this variant has been classified as Pathogenic.

Natera, Inc.
Classification: Pathogenic for Retinitis pigmentosa type 28. Last evaluated: 2025-05-12. Review status: criteria provided, single submitter. Criteria: Natera Variant Classification Schema (03/2026). Collection method: clinical testing. Allele origin: germline.
Comment: The c.1464G>A variant in FAM161A is a nonsense variant predicted to introduce a stop codon at amino acid 488. This variant is expected to result in nonsense mediated decay, truncation, or a dysfunctional protein product. This variant is rare in the general population with a frequency below the threshold expected for the associated phenotype(s). This variant has been observed in one or more individuals affected with the associated recessive disease, as either homozygous or compound heterozygous with a second variant (PMID: 27208204). Given the available evidence, this variant is classified as Pathogenic.

SingHealth Duke-NUS Institute of Precision Medicine
Classification: Likely pathogenic for Retinitis pigmentosa 28. Last evaluated: 2025-02-05. Review status: criteria provided, single submitter. Criteria: PRISM ACMG Classification Criteria. Collection method: clinical testing. Allele origin: germline. Affected: yes.
Comment: Variant is predicted to cause nonsense-mediated decay in a gene where LOF is a known cause of pathogenicity (PVS1). Homozygous allele count in gnomAD exomes and genomes are less than 0 (PM2)

Blueprint Genetics
Classification: Pathogenic for FAM161A-related disorders. Last evaluated: 2022-11-18. Review status: criteria provided, single submitter. Criteria: ACMG Guidelines, 2015. Collection method: clinical testing. Allele origin: germline. Affected: yes. Observed: 4 variant alleles.

Centre for Genomic Medicine, Manchester, Central Manchester University Hospitals
Classification: Likely pathogenic for Retinal dystrophy. Review status: no assertion criteria provided. Collection method: clinical testing. Allele origin: germline. Affected: yes. Not counted in ClinVar's aggregate classification.

Literature cited by the submitters: PubMed 33090715 (cited by Women's Health and Genetics/Laboratory Corporation of America, LabCorp); PubMed 38465142 (cited by Women's Health and Genetics/Laboratory Corporation of America, LabCorp); PubMed 20705278 (cited by Labcorp Genetics (formerly Invitae), Labcorp); PubMed 20705279 (cited by Labcorp Genetics (formerly Invitae), Labcorp); PubMed 24651477 (cited by Labcorp Genetics (formerly Invitae), Labcorp); PubMed 27208204 (cited by Labcorp Genetics (formerly Invitae), Labcorp and Natera, Inc.).

NM_001201543.2(FAM161A):c.1464G>A (p.Trp488Ter)

Gene: FAM161A (FAM161 centrosomal protein A; minus strand). Cytogenetic location: 2p15.
Variant type: single nucleotide variant.
Coding change: c.1464G>A on transcript NM_001201543.2 (MANE Select); coding-DNA position 1464, G replaced by A.
Protein change: p.Trp488Ter; replaces tryptophan 488 with a stop codon.
Molecular consequence: nonsense. On other transcripts: non-coding transcript variant (1).
Genome position (GRCh38, 1-based): chr2:61,839,540, C>T on the plus strand (G>A on the coding strand, the complement: FAM161A is on the minus strand). VCF-style: chr2-61839540-C-T. GRCh37 (hg19) VCF-style: chr2-62066675-C-T.
Other names: c.1464G>A, p.Trp488Ter (NM_032180.3); short protein forms W488*.
Identifiers: ClinVar variation 236499 (VCV000236499.19), dbSNP rs761440783, ClinGen allele CA10581656.